The following is an entry in ClinVar:

NM_080680.3(COL11A2):c.1449G>A (p.Leu483=)

Gene: COL11A2 (collagen type XI alpha 2 chain; minus strand). Cytogenetic location: 6p21.32.
Variant type: single nucleotide variant.
Coding change: c.1449G>A on transcript NM_080680.3 (MANE Select); coding-DNA position 1449, G replaced by A.
Protein change: p.Leu483=; no amino-acid change (leucine 483 retained).
Molecular consequence: synonymous variant.
Genome position (GRCh38, 1-based): chr6:33,179,485, C>T on the plus strand (G>A on the coding strand, the complement: COL11A2 is on the minus strand). VCF-style: chr6-33179485-C-T. GRCh37 (hg19) VCF-style: chr6-33147262-C-T.
Other names: c.423G>A, p.Leu141= (NM_001424111.1, NM_001424110.1); c.1128G>A, p.Leu376= (NM_080679.3); c.1191G>A, p.Leu397= (NM_080681.3); c.1269G>A, p.Leu423= (NM_001424108.1); c.603G>A, p.Leu201= (NM_001424109.1).
Identifiers: ClinVar variation 3689221 (VCV003689221.2).

ClinVar aggregate classification (germline): Uncertain significance (1 of 4 stars; one submission).

gnomAD v4.1: 1 of 1,561,408 alleles (0.000064%); highest among the groups gnomAD compares: African/African-American, 0.0014%; no homozygotes.

Submission:

Labcorp Genetics (formerly Invitae), Labcorp
Classification: Uncertain significance. Last evaluated: 2025-02-02. Review status: criteria provided, single submitter. Criteria: Invitae Variant Classification Sherloc (09022015). Collection method: clinical testing. Allele origin: germline.
Comment: This sequence change affects codon 483 of the COL11A2 mRNA. It is a 'silent' change, meaning that it does not change the encoded amino acid sequence of the COL11A2 protein. This variant is not present in population databases (gnomAD no frequency). This variant has not been reported in the literature in individuals affected with COL11A2-related conditions. Algorithms developed to predict the effect of sequence changes on RNA splicing suggest that this variant may create or strengthen a splice site. In summary, the available evidence is currently insufficient to determine the role of this variant in disease. Therefore, it has been classified as a Variant of Uncertain Significance.